The following is an entry in ClinVar:

ClinVar aggregate classification (germline): Uncertain significance. Review status: criteria provided, multiple submitters, no conflicts (2 of 4 stars). 3 submissions from 3 submitters: Uncertain significance (3). Last evaluated 2025-05-10.

Conditions:
Rubinstein-Taybi syndrome due to EP300 haploinsufficiency. Also called: EP300-Related Rubinstein-Taybi Syndrome; RUBINSTEIN-TAYBI SYNDROME 2. Identifiers: Orphanet 353284, Orphanet 783, MedGen C3150941, MONDO:0013364, OMIM 613684.
EP300-related disorder. Also called: EP300-related disorders; EP300-related condition.

Submissions (3):

PreventionGenetics, part of Exact Sciences
Classification: Uncertain significance for EP300-related condition. Last evaluated: 2025-05-10. Review status: criteria provided, single submitter. Criteria: ACMG Guidelines, 2015. Collection method: clinical testing. Allele origin: germline.
Comment: The EP300 c.2573_2575dupCAA variant is predicted to result in an in-frame duplication (p.Thr858dup). To our knowledge, this variant has not been reported in the literature. This variant is reported in 0.0087% of alleles in individuals of Latino descent in gnomAD. At this time, the clinical significance of this variant is uncertain due to the absence of conclusive functional and genetic evidence.

GeneDx
Classification: Uncertain significance. Last evaluated: 2025-03-06. Review status: criteria provided, single submitter. Criteria: GeneDx Variant Classification Process June 2021. Collection method: clinical testing. Allele origin: germline. Affected: yes.
Comment: In-frame duplication of 1 amino acid(s) in a non-repeat region; Has not been previously published as pathogenic or benign to our knowledge

Labcorp Genetics (formerly Invitae), Labcorp
Classification: Uncertain significance for Rubinstein-Taybi syndrome due to EP300 haploinsufficiency. Last evaluated: 2023-02-11. Review status: criteria provided, single submitter. Criteria: Invitae Variant Classification Sherloc (09022015). Collection method: clinical testing. Allele origin: germline.
Comment: This variant, c.2573_2575dup, results in the insertion of 1 amino acid(s) of the EP300 protein (p.Thr858dup), but otherwise preserves the integrity of the reading frame. This variant is present in population databases (no rsID available, gnomAD 0.006%). This variant has not been reported in the literature in individuals affected with EP300-related conditions. Experimental studies and prediction algorithms are not available or were not evaluated, and the functional significance of this variant is currently unknown. In summary, the available evidence is currently insufficient to determine the role of this variant in disease. Therefore, it has been classified as a Variant of Uncertain Significance.

NM_001429.4(EP300):c.2567CAA[4] (p.Thr858_Ile859insThr)

Gene: EP300 (EP300 lysine acetyltransferase; plus strand). Cytogenetic location: 22q13.2.
Variant type: Microsatellite.
Coding change: c.2567CAA[4] on transcript NM_001429.4 (MANE Select); four copies in a row of the 3-base unit CAA starting at c.2567; the reference has three copies in a row; one copy, 3 bases duplicated; also written c.2573_2575dup.
Protein change: p.Thr858_Ile859insThr.
Molecular consequence: inframe insertion.
Genome position (GRCh38, 1-based): chr22:41,149,954-41,149,956, CAA duplicated; duplicating any 3 consecutive bases within chr22:41,149,948-41,149,956 gives the same sequence; the position shown is the placement nearest the transcript's 3' end. VCF-style (leftmost placement, unchanged base first): chr22-41149947-G-GCAA. GRCh37 (hg19) VCF-style: chr22-41545951-G-GCAA.
Other names: c.2489CAA[4], p.Thr832_Ile833insThr (NM_001362843.2); c.2573_2575dup (NM_001429.3); c.2573_2575dupCAA (NM_001429.3).
Identifiers: ClinVar variation 2886855 (VCV002886855.6), dbSNP rs770125372, ClinGen allele CA324536325.